The following is an entry in ClinVar:

NM_004168.4(SDHA):c.1940A>G (p.Lys647Arg)

Gene: SDHA (succinate dehydrogenase complex flavoprotein subunit A; plus strand). Cytogenetic location: 5p15.33.
Variant type: single nucleotide variant.
Coding change: c.1940A>G on transcript NM_004168.4 (MANE Select); coding-DNA position 1940, A replaced by G.
Protein change: p.Lys647Arg; replaces lysine 647 with arginine.
Molecular consequence: missense variant.
Genome position (GRCh38, 1-based): chr5:256,365, A>G. VCF-style: chr5-256365-A-G. GRCh37 (hg19) VCF-style: chr5-256480-A-G.
Other names: c.1796A>G, p.Lys599Arg (NM_001294332.2); c.1697A>G, p.Lys566Arg (NM_001330758.2); c.1940A>G (NM_004168.2); short protein forms K599R, K647R, K566R.
Identifiers: ClinVar variation 959180 (VCV000959180.11), dbSNP rs1737186768, ClinGen allele CA359002813.

ClinVar aggregate classification (germline): Conflicting classifications of pathogenicity. Review status: criteria provided, conflicting classifications (1 of 4 stars). 2 submissions from 2 submitters: Uncertain significance (1); Likely benign (1). Last evaluated 2026-08-27.

Conditions:
Mitochondrial complex II deficiency, nuclear type 1. Also called: SUCCINATE CoQ REDUCTASE DEFICIENCY. Identifiers: Orphanet 3208, MedGen C5700310, MONDO:0100294, OMIM 252011.
Pheochromocytoma/paraganglioma syndrome 5. Also called: Paragangliomas 5; SDHA-Related Hereditary Paraganglioma-Pheochromocytoma Syndrome. Identifiers: Orphanet 29072, MedGen C3279992, MONDO:0013602, OMIM 614165.
Hereditary cancer-predisposing syndrome. Also called: Neoplastic Syndromes, Hereditary; Hereditary Cancer Syndrome; Tumor predisposition; Hereditary neoplastic syndrome. Identifiers: Orphanet 140162, MedGen C0027672, MeSH D009386, MONDO:0015356.

Allele frequency attached by ClinVar (database versions not stated): TOPMed below 0.00001.

Submissions (2):

Ambry Genetics
Classification: Likely benign for Hereditary cancer-predisposing syndrome. Last evaluated: 2026-08-27. Review status: criteria provided, single submitter. Criteria: Ambry Variant Classification Scheme 2023. Collection method: clinical testing. Allele origin: germline.

Labcorp Genetics (formerly Invitae), Labcorp
Classification: Uncertain significance for Pheochromocytoma/paraganglioma syndrome 5; Mitochondrial complex II deficiency, nuclear type 1. Last evaluated: 2025-07-31. Review status: criteria provided, single submitter. Criteria: Invitae Variant Classification Sherloc (09022015). Collection method: clinical testing. Allele origin: germline.
Comment: This sequence change replaces lysine, which is basic and polar, with arginine, which is basic and polar, at codon 647 of the SDHA protein (p.Lys647Arg). This variant is not present in population databases (gnomAD no frequency). This variant has not been reported in the literature in individuals affected with SDHA-related conditions. ClinVar contains an entry for this variant (Variation ID: 959180). Invitae Evidence Modeling of protein sequence and biophysical properties (such as structural, functional, and spatial information, amino acid conservation, physicochemical variation, residue mobility, and thermodynamic stability) indicates that this missense variant is not expected to disrupt SDHA protein function with a negative predictive value of 95%. In summary, the available evidence is currently insufficient to determine the role of this variant in disease. Therefore, it has been classified as a Variant of Uncertain Significance.